The following is an entry in ClinVar:

ClinVar aggregate classification (germline): Pathogenic (0 of 4 stars; one submission).

Conditions:
Fanconi anemia complementation group A (FANCA). Also called: Fanconi anemia, group A; FANCA-Related Fanconi Anemia. Identifiers: Orphanet 84, MedGen C3469521, MONDO:0009215, OMIM 227650.

Submission:

Leiden Open Variation Database
Classification: Pathogenic for Fanconi anemia complementation group A. Last evaluated: 2020-02-28. Review status: no assertion criteria provided. Collection method: curation. Allele origin: germline. Affected: yes.
Comment: Curator: Arleen D. Auerbach. Submitter to LOVD: Arleen D. Auerbach.

Literature cited by the submitters: PubMed 21273304.

NC_000016.10:g.89811072del

Gene: FANCA (FA complementation group A; minus strand). Cytogenetic location: 16q24.3.
Variant type: Deletion.
Genome position: GRCh38 VCF-style: chr16-89811070-GC-G. GRCh37 (hg19) VCF-style: chr16-89877478-GC-G.
Identifiers: ClinVar variation 974088 (VCV000974088.3), dbSNP rs2040861554, ClinGen allele CA1139664991.
Genomic context (GRCh38, chr16:89,811,070, plus strand): 5'-CCCGGCTGAGAGAATACCCACGGGAACCCCCAGCCTTGAGGCTTGATCCTGCAAAGCAGA[GC>G]CTTAAACACAAAACAAAACCATAGCTTTCTCTTAACACATGAGACAAAATCTAAAACCAA-3'